The following is an entry in ClinVar:

NM_004360.5(CDH1):c.120G>A (p.Thr40=)

Gene: CDH1 (cadherin 1; plus strand). Cytogenetic location: 16q22.1.
Variant type: single nucleotide variant.
Coding change: c.120G>A on transcript NM_004360.5 (MANE Select); coding-DNA position 120, G replaced by A.
Protein change: p.Thr40=; no amino-acid change (threonine 40 retained).
Molecular consequence: synonymous variant. On other transcripts: 5 prime UTR variant (2).
Genome position (GRCh38, 1-based): chr16:68,738,368, G>A. VCF-style: chr16-68738368-G-A. GRCh37 (hg19) VCF-style: chr16-68772271-G-A.
Other names: c.120G>A (LRG_301t1); c.120G>A, p.Thr40= (NM_001317184.2); c.-1496G>A (NM_001317185.2); c.-1700G>A (NM_001317186.2).
Identifiers: ClinVar variation 184377 (VCV000184377.23), dbSNP rs786201115, ClinGen allele CA188783.

ClinVar aggregate classification (germline): Likely benign. Review status: reviewed by expert panel (3 of 4 stars). 6 submissions from 6 submitters: Likely benign (1). 5 of the submissions do not count toward it. Last evaluated 2023-08-18.

Conditions:
CDH1-related diffuse gastric and lobular breast cancer syndrome. Also called: CDH1-related diffuse gastric and lobular breast cancer. Identifiers: MedGen CN311521, MONDO:0100488.
Hereditary cancer-predisposing syndrome. Also called: Tumor predisposition; Hereditary Cancer Syndrome; Hereditary neoplastic syndrome; Neoplastic Syndromes, Hereditary. Identifiers: Orphanet 140162, MedGen C0027672, MeSH D009386, MONDO:0015356.
Hereditary diffuse gastric adenocarcinoma (HDGC). Also called: DIFFUSE GASTRIC AND LOBULAR BREAST CANCER SYNDROME. Identifiers: Orphanet 26106, MedGen C1708349, MONDO:0007648, OMIM 137215.

Submissions (6):

Clingen Gastric Cancer Variant Curation Expert Panel
Classification: Likely benign for CDH1-related diffuse gastric and lobular breast cancer syndrome. Last evaluated: 2023-08-18. Review status: reviewed by expert panel. Criteria: ClinGen CDH1 ACMG Specifications V3.1. Collection method: curation. Allele origin: germline. Inheritance: Autosomal dominant inheritance.
Comment: The c.120G>A (p.Thr40=) variant results in a synonymous amino acid change in exon 2. Although this variant is absent from gnomAD (PM2_Supporting), it has been observed internally in at least three individuals without DGC, SRC tumours or LBC and whose families do not suggest HDGC (BS2_Supporting, SCV000214188.4, SCV001041247.2). In addition, this variant is not predicted to result in aberrant splicing and is not highly conserved (BP4, BP7). In summary, this variant meets criteria to be classified as likely benign based on the ACMG/AMP criteria applied as specified by the CDH1 Variant Curation Expert Panel (Variant Interpretation Guidelines Version 3.1): BS2_supporting, BP4, BP7, PM2_Supporting.

Labcorp Genetics (formerly Invitae), Labcorp
Classification: Likely benign for Hereditary diffuse gastric adenocarcinoma. Last evaluated: 2025-09-22. Review status: criteria provided, single submitter. Criteria: Invitae Variant Classification Sherloc (09022015). Collection method: clinical testing. Allele origin: germline. Not counted in ClinVar's aggregate classification.

Myriad Genetics, Inc.
Classification: Benign for Hereditary diffuse gastric adenocarcinoma. Last evaluated: 2024-09-11. Review status: criteria provided, single submitter. Criteria: Myriad Autosomal Dominant, Autosomal Recessive and X-Linked Classification Criteria (2023). Collection method: clinical testing. Allele origin: unknown. Not counted in ClinVar's aggregate classification.
Comment: This variant is considered benign. This variant is a silent/synonymous amino acid change and it is not expected to impact splicing.

Women's Health and Genetics/Laboratory Corporation of America, LabCorp
Classification: Likely benign. Last evaluated: 2019-08-28. Review status: criteria provided, single submitter. Criteria: LabCorp Variant Classification Summary - May 2015. Collection method: clinical testing. Allele origin: germline. Not counted in ClinVar's aggregate classification.

Ambry Genetics
Classification: Likely benign for Hereditary cancer-predisposing syndrome. Last evaluated: 2018-01-23. Review status: criteria provided, single submitter. Criteria: Ambry Variant Classification Scheme 2023. Collection method: clinical testing. Allele origin: germline. Not counted in ClinVar's aggregate classification.

Color Diagnostics, LLC DBA Color Health
Classification: Likely benign for Hereditary cancer-predisposing syndrome. Last evaluated: 2017-07-25. Review status: criteria provided, single submitter. Criteria: ACMG Guidelines, 2015. Collection method: clinical testing. Allele origin: germline. Not counted in ClinVar's aggregate classification.